The following is an entry in ClinVar:

NM_006070.6(TFG):c.194T>G (p.Leu65Arg)

Gene: TFG (trafficking from ER to golgi regulator; plus strand). Cytogenetic location: 3q12.2.
Variant type: single nucleotide variant.
Coding change: c.194T>G on transcript NM_006070.6 (MANE Select); coding-DNA position 194, T replaced by G.
Protein change: p.Leu65Arg; replaces leucine 65 with arginine.
Molecular consequence: missense variant.
Genome position (GRCh38, 1-based): chr3:100,719,984, T>G. VCF-style: chr3-100719984-T-G. GRCh37 (hg19) VCF-style: chr3-100438828-T-G.
Other names: c.194T>G, p.Leu65Arg (NM_001007565.2, NM_001195478.2, NM_001195479.2); short protein forms L65R.
Identifiers: ClinVar variation 1379216 (VCV001379216.6), dbSNP rs2149066367, ClinGen allele CA353838917.
Genomic context (GRCh38, chr3:100,719,984, plus strand): 5'-TCTGAAAATTTAAAAAATTAAAAAACAACCTTTTTTTTTTTTAAATTCCAGATGGAGATC[T>G]TATAACAATTTTTGATAGTTCTGACCTTTCCTTTGCAATTCAGTGCAGTAGGATACTGAA-3'
Protein context (NP_006061.2, residues 55-75): TIKYKDEDGD[Leu65Arg]ITIFDSSDLS

ClinVar aggregate classification (germline): Uncertain significance (1 of 4 stars; one submission).

Conditions:
Hereditary motor and sensory neuropathy, Okinawa type (HMSNO). Also called: HEREDITARY MOTOR AND SENSORY NEUROPATHY, PROXIMAL TYPE. Identifiers: Orphanet 90117, MedGen C1858338, MONDO:0011468, OMIM 604484.
Hereditary spastic paraplegia 57. Also called: Spastic paraplegia 57, autosomal recessive. Identifiers: Orphanet 431329, MedGen C3714897, MONDO:0014295, OMIM 615658.

Submission:

Labcorp Genetics (formerly Invitae), Labcorp
Classification: Uncertain significance for Hereditary motor and sensory neuropathy, Okinawa type; Hereditary spastic paraplegia 57. Last evaluated: 2021-09-02. Review status: criteria provided, single submitter. Criteria: Invitae Variant Classification Sherloc (09022015). Collection method: clinical testing. Allele origin: germline.
Comment: This variant is not present in population databases (ExAC no frequency). This sequence change replaces leucine with arginine at codon 65 of the TFG protein (p.Leu65Arg). The leucine residue is highly conserved and there is a moderate physicochemical difference between leucine and arginine. This variant has not been reported in the literature in individuals affected with TFG-related conditions. In summary, the available evidence is currently insufficient to determine the role of this variant in disease. Therefore, it has been classified as a Variant of Uncertain Significance. Algorithms developed to predict the effect of missense changes on protein structure and function are either unavailable or do not agree on the potential impact of this missense change (SIFT: "Deleterious"; PolyPhen-2: "Probably Damaging"; Align-GVGD: "Class C0").